The following is an entry in ClinVar:

NM_001458.5(FLNC):c.1042C>T (p.His348Tyr)

Gene: FLNC (filamin C; plus strand). Cytogenetic location: 7q32.1.
Variant type: single nucleotide variant.
Coding change: c.1042C>T on transcript NM_001458.5 (MANE Select); coding-DNA position 1042, C replaced by T.
Protein change: p.His348Tyr; replaces histidine 348 with tyrosine.
Molecular consequence: missense variant.
Genome position (GRCh38, 1-based): chr7:128,838,059, C>T. VCF-style: chr7-128838059-C-T. GRCh37 (hg19) VCF-style: chr7-128478113-C-T.
Other names: c.1042C>T (NM_001458.4); c.1042C>T, p.His348Tyr (NM_001127487.2); short protein forms H348Y.
Identifiers: ClinVar variation 1490095 (VCV001490095.9), dbSNP rs2128934341, ClinGen allele CA369223455.
Genomic context (GRCh38, chr7:128,838,059, plus strand): 5'-CCCAACAATGACAAGGATCGCACCTATGCTGTCTCCTATGTGCCCAAGGTCGCTGGGTTA[C>T]ACAAGGTATCTCCCTCTAGGCCCCCCTGCCTGCGCTGCTCTTCACATCCTTGGTTCCGGC-3'
Protein context (NP_001449.3, residues 338-358): VSYVPKVAGL[His348Tyr]KVTVLFAGQN

ClinVar aggregate classification (germline): Uncertain significance. Review status: criteria provided, multiple submitters, no conflicts (2 of 4 stars). 2 submissions from 2 submitters: Uncertain significance (2). Last evaluated 2022-10-20.

Conditions:
Cardiomyopathy (CMYO). Also called: Cardiomyopathies. Identifiers: Orphanet 167848, MedGen C0878544, MONDO:0004994, HP:0001638. Inheritance: Various modes of inheritance.
Myofibrillar myopathy 5. Also called: FILAMINOPATHY, AUTOSOMAL DOMINANT; Filaminopathy (type). Identifiers: Orphanet 171445, MedGen C1836050, MONDO:0012289, OMIM 609524.
Distal myopathy with posterior leg and anterior hand involvement. Also called: WILLIAMS DISTAL MYOPATHY. Identifiers: Orphanet 63273, MedGen C3279722, MONDO:0013550, OMIM 614065.
Hypertrophic cardiomyopathy 26. Also called: Cardiomyopathy, familial hypertrophic, 26. Identifiers: Orphanet 75249, MedGen C4310749, MONDO:0014883, OMIM 617047.

Allele frequency attached by ClinVar (database versions not stated): gnomAD exomes 0.00001.
gnomAD v4.1: 9 of 1,613,146 alleles (0.00056%); highest among the groups gnomAD compares: Non-Finnish European, 0.00076%; no homozygotes.

Submissions (2):

CHEO Genetics Diagnostic Laboratory, Children's Hospital of Eastern Ontario
Classification: Uncertain significance for Cardiomyopathy. Last evaluated: 2022-10-20. Review status: criteria provided, single submitter. Criteria: ACMG Guidelines, 2015. Collection method: clinical testing. Allele origin: germline.

Labcorp Genetics (formerly Invitae), Labcorp
Classification: Uncertain significance for Distal myopathy with posterior leg and anterior hand involvement; Myofibrillar myopathy 5; Hypertrophic cardiomyopathy 26. Last evaluated: 2022-03-08. Review status: criteria provided, single submitter. Criteria: Invitae Variant Classification Sherloc (09022015). Collection method: clinical testing. Allele origin: germline.
Comment: Algorithms developed to predict the effect of missense changes on protein structure and function are either unavailable or do not agree on the potential impact of this missense change (SIFT: "Tolerated"; PolyPhen-2: "Probably Damaging"; Align-GVGD: "Class C0"). This sequence change replaces histidine, which is basic and polar, with tyrosine, which is neutral and polar, at codon 348 of the FLNC protein (p.His348Tyr). This variant is not present in population databases (gnomAD no frequency). This variant has not been reported in the literature in individuals affected with FLNC-related conditions. In summary, the available evidence is currently insufficient to determine the role of this variant in disease. Therefore, it has been classified as a Variant of Uncertain Significance.